The following is an entry in ClinVar:

ClinVar aggregate classification (germline): Uncertain significance (1 of 4 stars; one submission).

Conditions:
EAST syndrome (SESAMES). Also called: SEIZURES, SENSORINEURAL DEAFNESS, ATAXIA, IMPAIRED INTELLECTUAL DEVELOPMENT, AND ELECTROLYTE IMBALANCE. Identifiers: Orphanet 199343, MedGen C2748572, MONDO:0013005, OMIM 612780.

Submission:

Labcorp Genetics (formerly Invitae), Labcorp
Classification: Uncertain significance for EAST syndrome. Last evaluated: 2022-04-25. Review status: criteria provided, single submitter. Criteria: Invitae Variant Classification Sherloc (09022015). Collection method: clinical testing. Allele origin: germline.
Comment: This sequence change replaces proline, which is neutral and non-polar, with arginine, which is basic and polar, at codon 313 of the KCNJ10 protein (p.Pro313Arg). This variant is not present in population databases (gnomAD no frequency). This variant has not been reported in the literature in individuals affected with KCNJ10-related conditions. Algorithms developed to predict the effect of missense changes on protein structure and function are either unavailable or do not agree on the potential impact of this missense change (SIFT: "Tolerated"; PolyPhen-2: "Probably Damaging"; Align-GVGD: "Class C0"). In summary, the available evidence is currently insufficient to determine the role of this variant in disease. Therefore, it has been classified as a Variant of Uncertain Significance.

NM_002241.5(KCNJ10):c.938C>G (p.Pro313Arg)

Gene: KCNJ10 (potassium inwardly rectifying channel subfamily J member 10; minus strand). Cytogenetic location: 1q23.2.
Variant type: single nucleotide variant.
Coding change: c.938C>G on transcript NM_002241.5 (MANE Select); coding-DNA position 938, C replaced by G.
Protein change: p.Pro313Arg; replaces proline 313 with arginine.
Molecular consequence: missense variant.
Genome position (GRCh38, 1-based): chr1:160,041,595, G>C on the plus strand (C>G on the coding strand, the complement: KCNJ10 is on the minus strand). VCF-style: chr1-160041595-G-C. GRCh37 (hg19) VCF-style: chr1-160011385-G-C.
Other names: short protein forms P313R.
Identifiers: ClinVar variation 2130722 (VCV002130722.4), dbSNP rs2525429365, ClinGen allele CA343223492.